The following is an entry in ClinVar:

NM_001972.4(ELANE):c.514C>T (p.Leu172Phe)

Gene: ELANE (elastase, neutrophil expressed; plus strand). Cytogenetic location: 19p13.3.
Variant type: single nucleotide variant.
Coding change: c.514C>T on transcript NM_001972.4 (MANE Select); coding-DNA position 514, C replaced by T.
Protein change: p.Leu172Phe; replaces leucine 172 with phenylalanine.
Molecular consequence: missense variant.
Genome position (GRCh38, 1-based): chr19:855,711, C>T. VCF-style: chr19-855711-C-T. GRCh37 (hg19) VCF-style: chr19-855711-C-T.
Other names: short protein forms L172F.
Identifiers: ClinVar variation 4248055 (VCV004248055.1).

ClinVar aggregate classification (germline): Uncertain significance (1 of 4 stars; one submission).

Conditions:
Inborn genetic diseases. Identifiers: MedGen C0950123, MeSH D030342.

Submission:

Ambry Genetics
Classification: Uncertain significance for Inborn genetic diseases. Last evaluated: 2025-06-21. Review status: criteria provided, single submitter. Criteria: Ambry Variant Classification Scheme 2023. Collection method: clinical testing. Allele origin: germline.
Comment: The p.L172F variant (also known as c.514C>T), located in coding exon 4 of the ELANE gene, results from a C to T substitution at nucleotide position 514. The leucine at codon 172 is replaced by phenylalanine, an amino acid with highly similar properties. This amino acid position is conserved. In addition, the in silico prediction for this alteration is inconclusive. Based on the available evidence, the clinical significance of this variant remains unclear.